The following is an entry in ClinVar:

NM_023110.3(FGFR1):c.236C>A (p.Thr79Asn)

Gene: FGFR1 (fibroblast growth factor receptor 1; minus strand). Cytogenetic location: 8p11.23.
Variant type: single nucleotide variant.
Coding change: c.236C>A on transcript NM_023110.3 (MANE Select); coding-DNA position 236, C replaced by A.
Protein change: p.Thr79Asn; replaces threonine 79 with asparagine.
Molecular consequence: missense variant. On other transcripts: intron variant (5).
Genome position (GRCh38, 1-based): chr8:38,429,804, G>T on the plus strand (C>A on the coding strand, the complement: FGFR1 is on the minus strand). VCF-style: chr8-38429804-G-T. GRCh37 (hg19) VCF-style: chr8-38287322-G-T.
Other names: c.236C>A, p.Thr79Asn (NM_000604.2, NM_001174063.2, NM_001174065.2 and 4 more transcripts); c.212C>A, p.Thr71Asn (NM_001174064.2); c.335C>A, p.Thr112Asn (NM_001174067.2); c.92-1369C>A (NM_001354368.2, NM_001354370.2, NM_023106.3 and 2 more transcripts); short protein forms T112N, T79N, T71N.
Identifiers: ClinVar variation 2104634 (VCV002104634.4), dbSNP rs867481100, ClinGen allele CA370736376.

ClinVar aggregate classification (germline): Uncertain significance (1 of 4 stars; one submission).

Conditions:
Hypogonadotropic hypogonadism 2 with or without anosmia (HH2). Also called: HYPOGONADOTROPIC HYPOGONADISM 2 WITHOUT ANOSMIA; HYPOGONADOTROPIC HYPOGONADISM 2 WITH OR WITHOUT ANOSMIA, SUSCEPTIBILITY TO; HYPOGONADOTROPIC HYPOGONADISM 2 WITHOUT ANOSMIA, SUSCEPTIBILITY TO; FGFR1-Related GnRH Deficiency (Kallmann Syndrome 2). Identifiers: Orphanet 478, MedGen C1563720, MONDO:0007844, OMIM 147950. Disease mechanism: loss of function.
Pfeiffer syndrome (ACS5). Also called: ACS V. Identifiers: Orphanet 710, MedGen C0220658, MONDO:0007043, OMIM 101600.

Submission:

Labcorp Genetics (formerly Invitae), Labcorp
Classification: Uncertain significance for Pfeiffer syndrome; Hypogonadotropic hypogonadism 2 with or without anosmia. Last evaluated: 2022-02-28. Review status: criteria provided, single submitter. Criteria: Invitae Variant Classification Sherloc (09022015). Collection method: clinical testing. Allele origin: germline.
Comment: In summary, the available evidence is currently insufficient to determine the role of this variant in disease. Therefore, it has been classified as a Variant of Uncertain Significance. Algorithms developed to predict the effect of missense changes on protein structure and function are either unavailable or do not agree on the potential impact of this missense change (SIFT: "Tolerated"; PolyPhen-2: "Probably Damaging"; Align-GVGD: "Class C0"). This variant has not been reported in the literature in individuals affected with FGFR1-related conditions. This variant is not present in population databases (gnomAD no frequency). This sequence change replaces threonine, which is neutral and polar, with asparagine, which is neutral and polar, at codon 79 of the FGFR1 protein (p.Thr79Asn).